The following is an entry in ClinVar:

ClinVar aggregate classification (germline): Uncertain significance (1 of 4 stars; one submission).

Conditions:
Inborn genetic diseases. Identifiers: MedGen C0950123, MeSH D030342.

Submission:

Ambry Genetics
Classification: Uncertain significance for Inborn genetic diseases. Last evaluated: 2025-09-21. Review status: criteria provided, single submitter. Criteria: Ambry Variant Classification Scheme 2023. Collection method: clinical testing. Allele origin: germline.
Comment: The p.C552S variant (also known as c.1655G>C), located in coding exon 10 of the RECQL4 gene, results from a G to C substitution at nucleotide position 1655. The cysteine at codon 552 is replaced by serine, an amino acid with dissimilar properties. This amino acid position is conserved. In addition, this alteration is predicted to be deleterious by in silico analysis. Based on the available evidence, the clinical significance of this variant remains unclear.

NM_004260.4(RECQL4):c.1655G>C (p.Cys552Ser)

Gene: RECQL4 (RecQ like helicase 4; minus strand). Cytogenetic location: 8q24.3.
Variant type: single nucleotide variant.
Coding change: c.1655G>C on transcript NM_004260.4 (MANE Select); coding-DNA position 1655, G replaced by C.
Protein change: p.Cys552Ser; replaces cysteine 552 with serine.
Molecular consequence: missense variant. On other transcripts: non-coding transcript variant (3).
Genome position (GRCh38, 1-based): chr8:144,514,491, C>G on the plus strand (G>C on the coding strand, the complement: RECQL4 is on the minus strand). VCF-style: chr8-144514491-C-G. GRCh37 (hg19) VCF-style: chr8-145739875-C-G.
Other names: c.1559G>C, p.Cys520Ser (NM_001413017.1, NM_001413020.1); c.1655G>C, p.Cys552Ser (NM_001413018.1, NM_001413019.1, NM_001413033.1 and 1 more transcripts); c.584G>C, p.Cys195Ser (NM_001413021.1, NM_001413022.1, NM_001413023.1 and 7 more transcripts); c.1526G>C, p.Cys509Ser (NM_001413025.1); c.518G>C, p.Cys173Ser (NM_001413027.1, NM_001413030.1, NM_001413031.1 and 2 more transcripts); c.1304G>C, p.Cys435Ser (NM_001413029.1); c.1625G>C, p.Cys542Ser (NM_001413039.1); c.554G>C, p.Cys185Ser (NM_001413042.1); and 1 more; short protein forms C435S, C520S, C552S, C173S, C509S, C542S, C63S, C185S.
Identifiers: ClinVar variation 4628929 (VCV004628929.1).